The following is an entry in ClinVar:

ClinVar aggregate classification (germline): Uncertain significance (1 of 4 stars; one submission).

Submission:

Women's Health and Genetics/Laboratory Corporation of America, LabCorp
Classification: Uncertain significance. Last evaluated: 2025-05-19. Review status: criteria provided, single submitter. Criteria: LabCorp Variant Classification Summary - May 2015. Collection method: clinical testing. Allele origin: germline.
Comment: Variant summary: NSD1 c.3546C>A (p.Asn1182Lys) results in a non-conservative amino acid change in the encoded protein sequence. Algorithms developed to predict the effect of missense changes on protein structure and function are either unavailable or do not agree on the potential impact of this missense change. The variant was absent in 244480 control chromosomes. The available data on variant occurrences in the general population are insufficient to allow any conclusion about variant significance. To our knowledge, no occurrence of c.3546C>A in individuals affected with Sotos Syndrome and no experimental evidence demonstrating its impact on protein function have been reported. No submitters have cited clinical-significance assessments for this variant to ClinVar. Based on the evidence outlined above, the variant was classified as uncertain significance.

NM_022455.5(NSD1):c.3546C>A (p.Asn1182Lys)

Gene: NSD1 (nuclear receptor binding SET domain protein 1; plus strand). Cytogenetic location: 5q35.3.
Variant type: single nucleotide variant.
Coding change: c.3546C>A on transcript NM_022455.5 (MANE Select); coding-DNA position 3546, C replaced by A.
Protein change: p.Asn1182Lys; replaces asparagine 1182 with lysine.
Molecular consequence: missense variant.
Genome position (GRCh38, 1-based): chr5:177,211,945, C>A. VCF-style: chr5-177211945-C-A. GRCh37 (hg19) VCF-style: chr5-176638946-C-A.
Other names: c.2673C>A, p.Asn891Lys (NM_001365684.2, NM_001409306.1, NM_001409307.1 and 3 more transcripts); c.3546C>A, p.Asn1182Lys (NM_001409301.1, NM_001409302.1, NM_001409303.1); c.3126C>A, p.Asn1042Lys (NM_001409304.1); c.2793C>A, p.Asn931Lys (NM_001409305.1); short protein forms N1042K, N1182K, N891K, N931K.
Identifiers: ClinVar variation 3902146 (VCV003902146.1).
Genomic context (GRCh38, chr5:177,211,945, plus strand): 5'-TTTAAACCAAAGGCGCACTAAACCTCGTAAGCGCATGAACAGATTTAAAGAGAAAGAAAA[C>A]TCTGAGTGTGCCTTTAGGGTCTTACTTCCTAGTGACCCTGTGCAGGAGGGGCGGGATGAG-3'
Protein context (NP_071900.2, residues 1172-1192): KRMNRFKEKE[Asn1182Lys]SECAFRVLLP